The following is an entry in ClinVar:

NC_000015.10:g.84816917G>A

Gene: ALPK3 (alpha kinase 3; plus strand). Cytogenetic location: 15q25.3.
Variant type: single nucleotide variant.
Genome position: GRCh38 VCF-style: chr15-84816917-G-A. GRCh37 (hg19) VCF-style: chr15-85360148-G-A.
Other names: short protein forms R24Q.
Identifiers: ClinVar variation 1757655 (VCV001757655.6), dbSNP rs373770472, ClinGen allele CA7708780.
Genomic context (GRCh38, chr15:84,816,917, plus strand): 5'-CTTGGCTTGTCTATGTGCTGGGCCAACAGCCACTGGCGAGGCAAGGCGAGGGTCAGTCAC[G>A]GCTGGTGCCAGGAAGAGGGCTGGTTCTTTGGCTCCCTGGTCTCCCGCGGTCTAGCCCAAG-3'

ClinVar aggregate classification (germline): Uncertain significance. Review status: criteria provided, multiple submitters, no conflicts (2 of 4 stars). 2 submissions from 2 submitters: Uncertain significance (2). Last evaluated 2025-12-13.

Conditions:
Cardiovascular phenotype. Identifiers: MedGen CN230736.

Allele frequency attached by ClinVar (database versions not stated): gnomAD 0.00003; TOPMed 0.00002.

Submissions (2):

Labcorp Genetics (formerly Invitae), Labcorp
Classification: Uncertain significance. Last evaluated: 2025-12-13. Review status: criteria provided, single submitter. Criteria: Invitae Variant Classification Sherloc (09022015). Collection method: clinical testing. Allele origin: germline.
Comment: This sequence change replaces arginine, which is basic and polar, with glutamine, which is neutral and polar, at codon 24 of the ALPK3 protein (p.Arg24Gln). This variant is present in population databases (rs373770472, gnomAD 0.003%). This variant has not been reported in the literature in individuals affected with ALPK3-related conditions. ClinVar contains an entry for this variant (Variation ID: 1757655). An algorithm developed to predict the effect of missense changes on protein structure and function (PolyPhen-2) suggests that this variant is likely to be tolerated. In summary, the available evidence is currently insufficient to determine the role of this variant in disease. Therefore, it has been classified as a Variant of Uncertain Significance.

Ambry Genetics
Classification: Uncertain significance for Cardiovascular phenotype. Last evaluated: 2023-03-13. Review status: criteria provided, single submitter. Criteria: Ambry Variant Classification Scheme 2023. Collection method: clinical testing. Allele origin: germline.
Comment: The p.R24Q variant (also known as c.71G>A), located in coding exon 1 of the ALPK3 gene, results from a G to A substitution at nucleotide position 71. The arginine at codon 24 is replaced by glutamine, an amino acid with highly similar properties. This amino acid position is poorly conserved in available vertebrate species. In addition, this alteration is predicted to be tolerated by in silico analysis. Since supporting evidence is limited at this time, the clinical significance of this alteration remains unclear.